The following is an entry in ClinVar:

NM_020461.4(TUBGCP6):c.2997G>A (p.Ser999=)

Gene: TUBGCP6 (tubulin gamma complex component 6; minus strand). Cytogenetic location: 22q13.33.
Variant type: single nucleotide variant.
Coding change: c.2997G>A on transcript NM_020461.4 (MANE Select); coding-DNA position 2997, G replaced by A.
Protein change: p.Ser999=; no amino-acid change (serine 999 retained).
Molecular consequence: synonymous variant.
Genome position (GRCh38, 1-based): chr22:50,221,362, C>T on the plus strand (G>A on the coding strand, the complement: TUBGCP6 is on the minus strand). VCF-style: chr22-50221362-C-T. GRCh37 (hg19) VCF-style: chr22-50659791-C-T.
Identifiers: ClinVar variation 722524 (VCV000722524.13), dbSNP rs755287100, ClinGen allele CA10308075.

ClinVar aggregate classification (germline): Likely benign. Review status: criteria provided, multiple submitters, no conflicts (2 of 4 stars). 4 submissions from 4 submitters: Likely benign (4). Last evaluated 2026-07-01.

Allele frequency attached by ClinVar (database versions not stated): gnomAD exomes 0.00004; ExAC 0.00005; gnomAD 0.00006 and 0.00007; TOPMed 0.00008.
gnomAD v4.1: 91 of 1,611,282 alleles (0.0056%); highest among the groups gnomAD compares: Admixed American, 0.018%; no homozygotes.

Submissions (4):

CeGaT Center for Human Genetics Tuebingen
Classification: Likely benign. Last evaluated: 2026-07-01. Review status: criteria provided, single submitter. Criteria: CeGaT Center For Human Genetics Tuebingen Variant Classification Criteria Version 2. Collection method: clinical testing. Allele origin: germline. Affected: yes. Observed: 1 variant allele.
Comment: TUBGCP6: BP4, BP7

Women's Health and Genetics/Laboratory Corporation of America, LabCorp
Classification: Likely benign. Last evaluated: 2026-05-27. Review status: criteria provided, single submitter. Criteria: LabCorp Variant Classification Summary - May 2015. Collection method: clinical testing. Allele origin: germline.

Labcorp Genetics (formerly Invitae), Labcorp
Classification: Likely benign. Last evaluated: 2025-11-15. Review status: criteria provided, single submitter. Criteria: Invitae Variant Classification Sherloc (09022015). Collection method: clinical testing. Allele origin: germline.

Blueprint Genetics
Classification: Likely benign. Last evaluated: 2024-11-11. Review status: criteria provided, single submitter. Criteria: ACMG Guidelines, 2015. Collection method: clinical testing. Allele origin: germline.